The following is an entry in ClinVar:

NM_006129.5(BMP1):c.1349A>G (p.Asn450Ser)

Genes: BMP1 (bone morphogenetic protein 1; plus strand), LOC113788269 (BRD4-independent group 4 enhancer GRCh37_chr8:22052064-22053263; plus strand). Cytogenetic location: 8p21.3.
Variant type: single nucleotide variant.
Coding change: c.1349A>G on transcript NM_006129.5 (MANE Select); coding-DNA position 1349, A replaced by G.
Protein change: p.Asn450Ser; replaces asparagine 450 with serine.
Molecular consequence: missense variant. On other transcripts: non-coding transcript variant (2).
Genome position (GRCh38, 1-based): chr8:22,194,496, A>G. VCF-style: chr8-22194496-A-G. GRCh37 (hg19) VCF-style: chr8-22052009-A-G.
Other names: c.1349A>G, p.Asn450Ser (NM_001199.4); short protein forms N450S.
Identifiers: ClinVar variation 2967917 (VCV002967917.1), dbSNP rs376026057, ClinGen allele CA4664643.

ClinVar aggregate classification (germline): Uncertain significance (1 of 4 stars; one submission).

Allele frequency attached by ClinVar (database versions not stated): gnomAD exomes 0.00001; TOPMed 0.00001; ExAC 0.00002; ESP Exome Variant Server 0.00008.
gnomAD v4.1: 17 of 1,614,208 alleles (0.0011%); highest among the groups gnomAD compares: African/African-American, 0.0013%; no homozygotes.

Submission:

Labcorp Genetics (formerly Invitae), Labcorp
Classification: Uncertain significance. Last evaluated: 2024-01-29. Review status: criteria provided, single submitter. Criteria: Invitae Variant Classification Sherloc (09022015). Collection method: clinical testing. Allele origin: germline.
Comment: This sequence change replaces asparagine, which is neutral and polar, with serine, which is neutral and polar, at codon 450 of the BMP1 protein (p.Asn450Ser). This variant is present in population databases (rs376026057, gnomAD 0.0009%). This variant has not been reported in the literature in individuals affected with BMP1-related conditions. Advanced modeling of protein sequence and biophysical properties (such as structural, functional, and spatial information, amino acid conservation, physicochemical variation, residue mobility, and thermodynamic stability) performed at Invitae indicates that this missense variant is not expected to disrupt BMP1 protein function with a negative predictive value of 80%. In summary, the available evidence is currently insufficient to determine the role of this variant in disease. Therefore, it has been classified as a Variant of Uncertain Significance.